The following is an entry in ClinVar:

ClinVar aggregate classification (germline): Uncertain significance (1 of 4 stars; one submission).

Conditions:
Neuronal ceroid lipofuscinosis. Also called: Neuronal Ceroid Lipofuscinoses. Identifiers: Orphanet 216, Orphanet 79263, MedGen C0027877, MONDO:0016295. Disease mechanism: loss of function.

Allele frequency attached by ClinVar (database versions not stated): gnomAD exomes below 0.00001; gnomAD 0.00001; TOPMed 0.00001.
gnomAD v4.1: 3 of 1,467,088 alleles (0.0002%); highest among the groups gnomAD compares: Admixed American, 0.0024%; no homozygotes.

Submission:

Labcorp Genetics (formerly Invitae), Labcorp
Classification: Uncertain significance for Neuronal ceroid lipofuscinosis. Last evaluated: 2022-02-09. Review status: criteria provided, single submitter. Criteria: Invitae Variant Classification Sherloc (09022015). Collection method: clinical testing. Allele origin: germline.
Comment: This sequence change replaces glycine, which is neutral and non-polar, with serine, which is neutral and polar, at codon 21 of the CLN6 protein (p.Gly21Ser). This variant is not present in population databases (gnomAD no frequency). This variant has not been reported in the literature in individuals affected with CLN6-related conditions. ClinVar contains an entry for this variant (Variation ID: 583137). Algorithms developed to predict the effect of missense changes on protein structure and function output the following: SIFT: "Tolerated"; PolyPhen-2: "Benign"; Align-GVGD: "Class C0". The serine amino acid residue is found in multiple mammalian species, which suggests that this missense change does not adversely affect protein function. In summary, the available evidence is currently insufficient to determine the role of this variant in disease. Therefore, it has been classified as a Variant of Uncertain Significance.

NM_017882.3(CLN6):c.61G>A (p.Gly21Ser)

Gene: CLN6 (CLN6 transmembrane ER protein; minus strand). Cytogenetic location: 15q23.
Variant type: single nucleotide variant.
Coding change: c.61G>A on transcript NM_017882.3 (MANE Select); coding-DNA position 61, G replaced by A.
Protein change: p.Gly21Ser; replaces glycine 21 with serine.
Molecular consequence: missense variant.
Genome position (GRCh38, 1-based): chr15:68,229,524, C>T on the plus strand (G>A on the coding strand, the complement: CLN6 is on the minus strand). VCF-style: chr15-68229524-C-T. GRCh37 (hg19) VCF-style: chr15-68521862-C-T.
Other names: short protein forms G21S.
Identifiers: ClinVar variation 583137 (VCV000583137.8), dbSNP rs916017530, ClinGen allele CA272398331.